The following is an entry in ClinVar:

ClinVar aggregate classification (germline): Uncertain significance. Review status: criteria provided, multiple submitters, no conflicts (2 of 4 stars). 2 submissions from 2 submitters: Uncertain significance (2). Last evaluated 2025-04-14.

Conditions:
Cystic fibrosis (CF). Also called: MUCOVISCIDOSIS. Identifiers: Orphanet 586, MedGen C0010674, MONDO:0009061, OMIM 219700. Disease mechanism: loss of function.

Submissions (2):

Ambry Genetics
Classification: Uncertain significance for Cystic fibrosis. Last evaluated: 2025-04-14. Review status: criteria provided, single submitter. Criteria: Ambry Variant Classification Scheme 2023. Collection method: clinical testing. Allele origin: germline.
Comment: The p.V1129L variant (also known as c.3385G>C), located in coding exon 21 of the CFTR gene, results from a G to C substitution at nucleotide position 3385. The valine at codon 1129 is replaced by leucine, an amino acid with highly similar properties. This amino acid position is conserved. In addition, the in silico prediction for this alteration is inconclusive. Based on the available evidence, the clinical significance of this variant remains unclear.

Labcorp Genetics (formerly Invitae), Labcorp
Classification: Uncertain significance for Cystic fibrosis. Last evaluated: 2022-07-19. Review status: criteria provided, single submitter. Criteria: Invitae Variant Classification Sherloc (09022015). Collection method: clinical testing. Allele origin: germline.
Comment: In summary, the available evidence is currently insufficient to determine the role of this variant in disease. Therefore, it has been classified as a Variant of Uncertain Significance. Algorithms developed to predict the effect of missense changes on protein structure and function are either unavailable or do not agree on the potential impact of this missense change (SIFT: "Deleterious"; PolyPhen-2: "Benign"; Align-GVGD: "Class C0"). ClinVar contains an entry for this variant (Variation ID: 1371238). This variant has not been reported in the literature in individuals affected with CFTR-related conditions. This variant is not present in population databases (gnomAD no frequency). This sequence change replaces valine, which is neutral and non-polar, with leucine, which is neutral and non-polar, at codon 1129 of the CFTR protein (p.Val1129Leu).

NM_000492.4(CFTR):c.3385G>C (p.Val1129Leu)

Genes: CFTR (CF transmembrane conductance regulator; plus strand), CFTR-AS2 (CFTR antisense RNA 2; minus strand). Cytogenetic location: 7q31.2.
Variant type: single nucleotide variant.
Coding change: c.3385G>C on transcript NM_000492.4 (MANE Select); coding-DNA position 3385, G replaced by C.
Protein change: p.Val1129Leu; replaces valine 1129 with leucine.
Molecular consequence: missense variant.
Genome position (GRCh38, 1-based): chr7:117,614,630, G>C. VCF-style: chr7-117614630-G-C. GRCh37 (hg19) VCF-style: chr7-117254684-G-C.
Other names: c.3385G>C (NM_000492.3); short protein forms V1129L.
Identifiers: ClinVar variation 1371238 (VCV001371238.9), dbSNP rs2116096247, ClinGen allele CA368993338.
Genomic context (GRCh38, chr7:117,614,630, plus strand): 5'-AGAAATAACATGAGGTTCATTTACGTCTTTTGTGCATCTATAGGAGAAGGAGAAGGAAGA[G>C]TTGGTATTATCCTGACTTTAGCCATGAATATCATGAGTACATTGCAGTGGGCTGTAAACT-3'
Protein context (NP_000483.3, residues 1119-1139): ILTTGEGEGR[Val1129Leu]GIILTLAMNI